The following is an entry in ClinVar:

ClinVar aggregate classification (germline): Likely benign. Review status: criteria provided, multiple submitters, no conflicts (2 of 4 stars). 2 submissions from 2 submitters: Likely benign (2). Last evaluated 2025-05-06.

Conditions:
Inborn genetic diseases. Identifiers: MedGen C0950123, MeSH D030342.

Allele frequency attached by ClinVar (database versions not stated): gnomAD 0.00001; ExAC 0.00002; gnomAD exomes 0.00002; TOPMed below 0.00001.
gnomAD v4.1: 29 of 1,613,802 alleles (0.0018%); highest among the groups gnomAD compares: East Asian, 0.056%; no homozygotes.

Submissions (2):

Ambry Genetics
Classification: Likely benign for Inborn genetic diseases. Last evaluated: 2025-05-06. Review status: criteria provided, single submitter. Criteria: Ambry Variant Classification Scheme 2023. Collection method: clinical testing. Allele origin: germline.

GeneDx
Classification: Likely benign. Last evaluated: 2016-01-27. Review status: criteria provided, single submitter. Criteria: GeneDx Variant Classification (06012015). Collection method: clinical testing. Allele origin: germline. Affected: yes.
Comment: This variant is considered likely benign or benign based on one or more of the following criteria: it is a conservative change, it occurs at a poorly conserved position in the protein, it is predicted to be benign by multiple in silico algorithms, and/or has population frequency not consistent with disease.

NM_012233.3(RAB3GAP1):c.2138T>C (p.Ile713Thr)

Gene: RAB3GAP1 (RAB3 GTPase activating protein catalytic subunit 1; plus strand). Cytogenetic location: 2q21.3.
Variant type: single nucleotide variant.
Coding change: c.2138T>C on transcript NM_012233.3 (MANE Select); coding-DNA position 2138, T replaced by C.
Protein change: p.Ile713Thr; replaces isoleucine 713 with threonine.
Molecular consequence: missense variant.
Genome position (GRCh38, 1-based): chr2:135,153,725, T>C. VCF-style: chr2-135153725-T-C. GRCh37 (hg19) VCF-style: chr2-135911295-T-C.
Other names: c.2138T>C, p.Ile713Thr (NM_001172435.2); short protein forms I713T.
Identifiers: ClinVar variation 383084 (VCV000383084.2), dbSNP rs759109888, ClinGen allele CA1884989.